The following is an entry in ClinVar:

NM_021098.3(CACNA1H):c.4061C>T (p.Ser1354Phe)

Gene: CACNA1H (calcium voltage-gated channel subunit alpha1 H; plus strand). Cytogenetic location: 16p13.3.
Variant type: single nucleotide variant.
Coding change: c.4061C>T on transcript NM_021098.3 (MANE Select); coding-DNA position 4061, C replaced by T.
Protein change: p.Ser1354Phe; replaces serine 1354 with phenylalanine.
Molecular consequence: missense variant.
Genome position (GRCh38, 1-based): chr16:1,210,809, C>T. VCF-style: chr16-1210809-C-T. GRCh37 (hg19) VCF-style: chr16-1260809-C-T.
Other names: c.4061C>T, p.Ser1354Phe (NM_001005407.2); short protein forms S1354F.
Identifiers: ClinVar variation 1047256 (VCV001047256.7), dbSNP rs754994425, ClinGen allele CA7801132.

ClinVar aggregate classification (germline): Uncertain significance. Review status: criteria provided, multiple submitters, no conflicts (2 of 4 stars). 2 submissions from 2 submitters: Uncertain significance (2). Last evaluated 2025-08-20.

Conditions:
Epilepsy, childhood absence, susceptibility to, 6. Identifiers: Orphanet 64280, MedGen C2749872, MONDO:0012763, OMIM 611942.
Hyperaldosteronism, familial, type IV (HALD4). Also called: FH IV; ALDOSTERONISM, PRIMARY, AND HYPERTENSION. Identifiers: Orphanet 642671, MedGen C4310756, MONDO:0014875, OMIM 617027.
Idiopathic generalized epilepsy. Also called: Generalised epilepsy; EIG. Identifiers: MedGen C0270850, MONDO:0005579, OMIM 600669.

Allele frequency attached by ClinVar (database versions not stated): gnomAD 0.00001; gnomAD exomes 0.00002 and 0.00004; TOPMed 0.00002; ExAC 0.00004.
gnomAD v4.1: 13 of 1,602,028 alleles (0.00081%); highest among the groups gnomAD compares: Admixed American, 0.02%; no homozygotes.

Submissions (2):

Labcorp Genetics (formerly Invitae), Labcorp
Classification: Uncertain significance for Idiopathic generalized epilepsy; Hyperaldosteronism, familial, type IV. Last evaluated: 2025-08-20. Review status: criteria provided, single submitter. Criteria: Invitae Variant Classification Sherloc (09022015). Collection method: clinical testing. Allele origin: germline.
Comment: This sequence change replaces serine, which is neutral and polar, with phenylalanine, which is neutral and non-polar, at codon 1354 of the CACNA1H protein (p.Ser1354Phe). This variant is present in population databases (rs754994425, gnomAD 0.03%). This variant has not been reported in the literature in individuals affected with CACNA1H-related conditions. ClinVar contains an entry for this variant (Variation ID: 1047256). Invitae Evidence Modeling of protein sequence and biophysical properties (such as structural, functional, and spatial information, amino acid conservation, physicochemical variation, residue mobility, and thermodynamic stability) indicates that this missense variant is not expected to disrupt CACNA1H protein function with a negative predictive value of 80%. In summary, the available evidence is currently insufficient to determine the role of this variant in disease. Therefore, it has been classified as a Variant of Uncertain Significance.

Fulgent Genetics
Classification: Uncertain significance for Epilepsy, childhood absence, susceptibility to, 6; Hyperaldosteronism, familial, type IV. Last evaluated: 2024-05-02. Review status: criteria provided, single submitter. Criteria: ACMG Guidelines, 2015. Collection method: clinical testing. Allele origin: germline.